The following is an entry in ClinVar:

ClinVar aggregate classification (germline): Uncertain significance (1 of 4 stars; one submission).

Conditions:
Hereditary breast ovarian cancer syndrome. Also called: Hereditary breast and ovarian cancer syndrome; Hereditary breast and ovarian cancer syndrome (HBOC); BRCA1- and BRCA2-Associated Hereditary Breast and Ovarian Cancer; Hereditary breast and ovarian cancer; Breast and ovarian cancer; Hereditary breast and/or ovarian cancer syndrome. Identifiers: Orphanet 145, MedGen C0677776, MeSH D061325, MONDO:0003582. Disease mechanism: loss of function.

Submission:

Labcorp Genetics (formerly Invitae), Labcorp
Classification: Uncertain significance for Hereditary breast ovarian cancer syndrome. Last evaluated: 2024-06-22. Review status: criteria provided, single submitter. Criteria: Invitae Variant Classification Sherloc (09022015). Collection method: clinical testing. Allele origin: germline.
Comment: This sequence change replaces serine, which is neutral and polar, with phenylalanine, which is neutral and non-polar, at codon 449 of the BRCA1 protein (p.Ser449Phe). This variant is not present in population databases (gnomAD no frequency). This variant has not been reported in the literature in individuals affected with BRCA1-related conditions. Advanced modeling of protein sequence and biophysical properties (such as structural, functional, and spatial information, amino acid conservation, physicochemical variation, residue mobility, and thermodynamic stability) performed at Invitae indicates that this missense variant is not expected to disrupt BRCA1 protein function with a negative predictive value of 95%. In summary, the available evidence is currently insufficient to determine the role of this variant in disease. Therefore, it has been classified as a Variant of Uncertain Significance.

NM_007294.4(BRCA1):c.1346C>T (p.Ser449Phe)

Gene: BRCA1 (BRCA1 DNA repair associated; minus strand). Cytogenetic location: 17q21.31.
Variant type: single nucleotide variant.
Coding change: c.1346C>T on transcript NM_007294.4 (MANE Select); coding-DNA position 1346, C replaced by T.
Protein change: p.Ser449Phe; replaces serine 449 with phenylalanine.
Molecular consequence: missense variant. On other transcripts: intron variant (137).
Genome position (GRCh38, 1-based): chr17:43,094,185, G>A on the plus strand (C>T on the coding strand, the complement: BRCA1 is on the minus strand). VCF-style: chr17-43094185-G-A. GRCh37 (hg19) VCF-style: chr17-41246202-G-A.
Other names: c.1133C>T, p.Ser378Phe (NM_001407899.1, NM_001407915.1, NM_001407916.1 and 9 more transcripts); c.1136C>T, p.Ser379Phe (NM_001407900.1, NM_001407902.1, NM_001407904.1 and 13 more transcripts); c.1223C>T, p.Ser408Phe (NM_001407919.1, NM_001407937.1, NM_001407938.1 and 19 more transcripts); c.1082C>T, p.Ser361Phe (NM_001407920.1, NM_001407921.1, NM_001407922.1 and 9 more transcripts); c.1079C>T, p.Ser360Phe (NM_001407930.1, NM_001407931.1, NM_001407932.1 and 2 more transcripts); c.1220C>T, p.Ser407Phe (NM_001407940.1, NM_001407941.1, NM_001407649.1 and 11 more transcripts); c.1205C>T, p.Ser402Phe (NM_001407942.1, NM_001407944.1, NM_001407945.1 and 29 more transcripts); c.1202C>T, p.Ser401Phe (NM_001407943.1, NM_001407964.1, NM_001407740.1 and 20 more transcripts); and 40 more; short protein forms S153F, S338F, S381F, S407F, S448F, S281F, S321F, S322F.
Identifiers: ClinVar variation 3634692 (VCV003634692.2).